The following is an entry in ClinVar:

NM_000053.4(ATP7B):c.3155C>T (p.Pro1052Leu)

Gene: ATP7B (ATPase copper transporting beta; minus strand). Cytogenetic location: 13q14.3.
Variant type: single nucleotide variant.
Coding change: c.3155C>T on transcript NM_000053.4 (MANE Select); coding-DNA position 3155, C replaced by T.
Protein change: p.Pro1052Leu; replaces proline 1052 with leucine.
Molecular consequence: missense variant.
Genome position (GRCh38, 1-based): chr13:51,944,197, G>A on the plus strand (C>T on the coding strand, the complement: ATP7B is on the minus strand). VCF-style: chr13-51944197-G-A. GRCh37 (hg19) VCF-style: chr13-52518333-G-A.
Other names: c.2534C>T, p.Pro845Leu (NM_001005918.3); c.2822C>T, p.Pro941Leu (NM_001243182.2); c.2921C>T, p.Pro974Leu (NM_001330578.2); c.2903C>T, p.Pro968Leu (NM_001330579.2); short protein forms P1052L, P941L, P974L, P845L, P968L.
Identifiers: ClinVar variation 555650 (VCV000555650.18), dbSNP rs778543794, ClinGen allele CA6988793.

ClinVar aggregate classification (germline): Pathogenic/Likely pathogenic. Review status: criteria provided, multiple submitters, no conflicts (2 of 4 stars). 6 submissions from 6 submitters: Pathogenic (1); Likely pathogenic (4). 1 of the submissions does not count toward it. Last evaluated 2025-08-12.

Conditions:
Wilson disease (WND). Also called: Wilson's disease. Identifiers: Orphanet 905, MedGen C0019202, MONDO:0010200, OMIM 277900. Disease mechanism: loss of function.

Allele frequency attached by ClinVar (database versions not stated): gnomAD exomes below 0.00001; ExAC 0.00001.
gnomAD v4.1: 5 of 1,614,162 alleles (0.00031%); highest among the groups gnomAD compares: South Asian, 0.0011%; no homozygotes.

Submissions (6):

Natera, Inc.
Classification: Likely pathogenic for Wilson disease. Last evaluated: 2025-08-12. Review status: criteria provided, single submitter. Criteria: Natera Variant Classification Schema (03/2026). Collection method: clinical testing. Allele origin: germline.
Comment: The c.3155C>T variant in ATP7B is a missense variant predicted to cause substitution of proline to leucine at amino acid 1052. This variant is rare in the general population with a frequency below the threshold expected for the associated phenotype(s). This variant has been observed in one or more individuals affected with the associated recessive disease, as either homozygous or compound heterozygous with a second variant (PMID: 35220961, 35220961, 34327338, 23518715, 30232804, 31059521). Given the available evidence, this variant is classified as Likely Pathogenic.

Labcorp Genetics (formerly Invitae), Labcorp
Classification: Pathogenic for Wilson disease. Last evaluated: 2025-03-07. Review status: criteria provided, single submitter. Criteria: Invitae Variant Classification Sherloc (09022015). Collection method: clinical testing. Allele origin: germline.
Comment: This sequence change replaces proline, which is neutral and non-polar, with leucine, which is neutral and non-polar, at codon 1052 of the ATP7B protein (p.Pro1052Leu). This variant is present in population databases (rs778543794, gnomAD 0.006%). This missense change has been observed in individual(s) with Wilson disease (PMID: 10502777, 25089800, 27022412, 29321352, 31059521; internal data). In at least one individual the data is consistent with being in trans (on the opposite chromosome) from a pathogenic variant. It has also been observed to segregate with disease in related individuals. ClinVar contains an entry for this variant (Variation ID: 555650). Invitae Evidence Modeling of protein sequence and biophysical properties (such as structural, functional, and spatial information, amino acid conservation, physicochemical variation, residue mobility, and thermodynamic stability) has been performed for this missense variant. However, the output from this modeling did not meet the statistical confidence thresholds required to predict the impact of this variant on ATP7B protein function. Experimental studies have shown that this missense change affects ATP7B function (PMID: 22240481). For these reasons, this variant has been classified as Pathogenic.

GeneDx
Classification: Likely pathogenic. Last evaluated: 2024-02-13. Review status: criteria provided, single submitter. Criteria: GeneDx Variant Classification Process June 2021. Collection method: clinical testing. Allele origin: germline. Affected: yes.
Comment: Published functional studies found this variant is associated with significantly impaired copper transport (PMID: 22240481); Not observed at significant frequency in large population cohorts (gnomAD); In silico analysis supports that this missense variant has a deleterious effect on protein structure/function; This variant is associated with the following publications: (PMID: 35782615, 29321352, 31059521, 23518715, 34470610, 36047117, 30275481, 10502777, 25089800, 27022412, 24253677, 22692182, 22240481)

Baylor Genetics
Classification: Likely pathogenic for Wilson disease. Last evaluated: 2023-03-28. Review status: criteria provided, single submitter. Criteria: ACMG Guidelines, 2015. Collection method: clinical testing. Allele origin: unknown.

Genome-Nilou Lab
Classification: Likely pathogenic for Wilson disease. Last evaluated: 2021-08-10. Review status: criteria provided, single submitter. Criteria: ACMG Guidelines, 2015. Collection method: clinical testing. Allele origin: germline. Affected: no.

Counsyl
Classification: Uncertain significance for Wilson disease. Last evaluated: 2017-12-28. Review status: no assertion criteria provided. Collection method: clinical testing. Allele origin: unknown. Not counted in ClinVar's aggregate classification.

Literature cited by the submitters: PubMed 35220961 (cited by Natera, Inc.); PubMed 34327338 (cited by Natera, Inc.); PubMed 23518715 (cited by Natera, Inc. and Counsyl); PubMed 30232804 (cited by Natera, Inc.); PubMed 31059521 (cited by Natera, Inc. and Labcorp Genetics (formerly Invitae), Labcorp); PubMed 10502777 (cited by Labcorp Genetics (formerly Invitae), Labcorp and Counsyl); PubMed 25089800 (cited by Labcorp Genetics (formerly Invitae), Labcorp and Counsyl); PubMed 27022412 (cited by Labcorp Genetics (formerly Invitae), Labcorp and Counsyl); PubMed 29321352 (cited by Labcorp Genetics (formerly Invitae), Labcorp); PubMed 22240481 (cited by Labcorp Genetics (formerly Invitae), Labcorp and Counsyl); PubMed 22692182 (cited by Counsyl); PubMed 24253677 (cited by Counsyl).